The following is an entry in ClinVar:

ClinVar aggregate classification (germline): Uncertain significance (1 of 4 stars; one submission).

Submission:

Labcorp Genetics (formerly Invitae), Labcorp
Classification: Uncertain significance. Last evaluated: 2022-02-23. Review status: criteria provided, single submitter. Criteria: Invitae Variant Classification Sherloc (09022015). Collection method: clinical testing. Allele origin: germline.
Comment: In summary, the available evidence is currently insufficient to determine the role of this variant in disease. Therefore, it has been classified as a Variant of Uncertain Significance. Experimental studies and prediction algorithms are not available or were not evaluated, and the functional significance of this variant is currently unknown. This variant has not been reported in the literature in individuals affected with CDHR1-related conditions. This variant is not present in population databases (gnomAD no frequency). This sequence change creates a premature translational stop signal (p.Gly816Alafs*25) in the CDHR1 gene. While this is not anticipated to result in nonsense mediated decay, it is expected to disrupt the last 44 amino acid(s) of the CDHR1 protein.

NM_033100.4(CDHR1):c.2447del (p.Gly816fs)

Gene: CDHR1 (cadherin related family member 1; plus strand). Cytogenetic location: 10q23.1.
Variant type: Deletion.
Coding change: c.2447del on transcript NM_033100.4 (MANE Select); coding-DNA position 2447, one base deleted (G; older notation c.2447delG).
Protein change: p.Gly816fs; shifts the reading frame from glycine 816.
Molecular consequence: frameshift variant. On other transcripts: intron variant (1).
Genome position (GRCh38, 1-based): chr10:84,214,488, G deleted; the last of 2 consecutive G bases (chr10:84,214,487-84,214,488); deleting either gives the same sequence. VCF-style (leftmost placement, unchanged base first): chr10-84214486-TG-T. GRCh37 (hg19) VCF-style: chr10-85974242-TG-T.
Other names: c.2040+1140del (NM_001171971.3); short protein forms G816fs.
Identifiers: ClinVar variation 1484773 (VCV001484773.6), dbSNP rs2132838030, ClinGen allele CA2573145654.